The following is an entry in ClinVar:

NM_002181.4(IHH):c.*83A>T

Gene: IHH (Indian hedgehog signaling molecule; minus strand). Cytogenetic location: 2q35.
Variant type: single nucleotide variant.
Coding change: c.*83A>T on transcript NM_002181.4 (MANE Select); 83 bases downstream of the stop codon, A replaced by T.
Molecular consequence: 3 prime UTR variant.
Genome position (GRCh38, 1-based): chr2:219,055,124, T>A on the plus strand (A>T on the coding strand, the complement: IHH is on the minus strand). VCF-style: chr2-219055124-T-A. GRCh37 (hg19) VCF-style: chr2-219919846-T-A.
Identifiers: ClinVar variation 334430 (VCV000334430.6), dbSNP rs538403599, ClinGen allele CA10614208.

ClinVar aggregate classification (germline): Benign. Review status: criteria provided, multiple submitters, no conflicts (2 of 4 stars). 2 submissions from 2 submitters: Benign (2). Last evaluated 2018-01-12.

Conditions:
Brachydactyly type A1. Also called: FARABEE-TYPE BRACHYDACTYLY; SHORT STATURE WITH NONSPECIFIC SKELETAL ABNORMALITIES 2. Identifiers: Orphanet 93388, MedGen C1862151, MONDO:0007215, OMIM 112500, HP:0009371.

Allele frequency attached by ClinVar (database versions not stated): 1000 Genomes Project 30x 0.00094; 1000 Genomes Project 0.00120; gnomAD 0.00214 and 0.00219; TOPMed 0.00228.
gnomAD v4.1: 4,514 of 1,443,034 alleles (0.31%); highest among the groups gnomAD compares: Non-Finnish European, 0.36%; 16 homozygotes.

Submissions (2):

Illumina Laboratory Services, Illumina
Classification: Benign for Brachydactyly type A1. Last evaluated: 2018-01-12. Review status: criteria provided, single submitter. Criteria: ICSL Variant Classification Criteria 13 December 2019. Collection method: clinical testing. Allele origin: germline.
Comment: This variant was observed in the ICSL laboratory as part of a predisposition screen in an ostensibly healthy population. It had not been previously curated by ICSL or reported in the Human Gene Mutation Database (HGMD: prior to June 1st, 2018), and was therefore a candidate for classification through an automated scoring system. Utilizing variant allele frequency, disease prevalence and penetrance estimates, and inheritance mode, an automated score was calculated to assess if this variant is too frequent to cause the disease. Based on the score and internal cut-off values, a variant classified as benign is not then subjected to further curation. The score for this variant resulted in a classification of benign for this disease.

Breakthrough Genomics
Classification: Benign. Review status: criteria provided, single submitter. Criteria: ACMG Guidelines, 2015. Collection method: not provided. Allele origin: germline. Inheritance: Autosomal recessive inheritance. Affected: yes.